The following is an entry in ClinVar:

NM_004560.4(ROR2):c.701T>C (p.Phe234Ser)

Gene: ROR2 (receptor tyrosine kinase like orphan receptor 2; minus strand). Cytogenetic location: 9q22.31.
Variant type: single nucleotide variant.
Coding change: c.701T>C on transcript NM_004560.4 (MANE Select); coding-DNA position 701, T replaced by C.
Protein change: p.Phe234Ser; replaces phenylalanine 234 with serine.
Molecular consequence: missense variant.
Genome position (GRCh38, 1-based): chr9:91,733,358, A>G on the plus strand (T>C on the coding strand, the complement: ROR2 is on the minus strand). VCF-style: chr9-91733358-A-G. GRCh37 (hg19) VCF-style: chr9-94495640-A-G.
Other names: c.701T>C, p.Phe234Ser (NM_001318204.2); short protein forms F234S.
Identifiers: ClinVar variation 3632397 (VCV003632397.2).
Genomic context (GRCh38, chr9:91,733,358, plus strand): 5'-TCGCGGCACAGCTCACGCGGCTTGGGTGTCCGGGAGCGCGCGTCGCACAGAGGAAACACG[A>G]AGTGGCAGAAGGATGGGATGGCGAACTGTGAGCACTGGTCCGACAGGTGCGTAGACGTGC-3'
Protein context (NP_004551.2, residues 224-244): SQFAIPSFCH[Phe234Ser]VFPLCDARSR

ClinVar aggregate classification (germline): Uncertain significance (1 of 4 stars; one submission).

Submission:

Labcorp Genetics (formerly Invitae), Labcorp
Classification: Uncertain significance. Last evaluated: 2024-04-27. Review status: criteria provided, single submitter. Criteria: Invitae Variant Classification Sherloc (09022015). Collection method: clinical testing. Allele origin: germline.
Comment: This sequence change replaces phenylalanine, which is neutral and non-polar, with serine, which is neutral and polar, at codon 234 of the ROR2 protein (p.Phe234Ser). This variant is not present in population databases (gnomAD no frequency). This variant has not been reported in the literature in individuals affected with ROR2-related conditions. Advanced modeling of protein sequence and biophysical properties (such as structural, functional, and spatial information, amino acid conservation, physicochemical variation, residue mobility, and thermodynamic stability) performed at Invitae indicates that this missense variant is not expected to disrupt ROR2 protein function with a negative predictive value of 80%. In summary, the available evidence is currently insufficient to determine the role of this variant in disease. Therefore, it has been classified as a Variant of Uncertain Significance.